The following is an entry in ClinVar:

NM_000540.3(RYR1):c.10687-2A>C

Gene: RYR1 (ryanodine receptor 1; plus strand). Cytogenetic location: 19q13.2.
Variant type: single nucleotide variant.
Coding change: c.10687-2A>C on transcript NM_000540.3 (MANE Select); the canonical splice acceptor site of the intron before coding-DNA position 10687, A replaced by C.
Molecular consequence: splice acceptor variant.
Genome position (GRCh38, 1-based): chr19:38,527,645, A>C. VCF-style: chr19-38527645-A-C. GRCh37 (hg19) VCF-style: chr19-39018285-A-C.
Other names: c.10672-2A>C (NM_001042723.2).
Identifiers: ClinVar variation 3071893 (VCV003071893.1), dbSNP rs1600930323, ClinGen allele CA405646424.
Genomic context (GRCh38, chr19:38,527,645, plus strand): 5'-ACATCCGGCGGACACTGTGGGAAGGGTCCCTCACGCCGGCCACTCCTTCTTCCTCCCTTC[A>C]GGTCGAAGGCTCCCCGTCTCTGCGCTGGCAGATGGCTCTGTACCGGGGCGTCCCGGGTCG-3'

ClinVar aggregate classification (germline): Uncertain significance (1 of 4 stars; one submission).

Conditions:
Malignant hyperthermia, susceptibility to, 1 (MHS1). Also called: Anesthesia related hyperthermia; Malignant hyperpyrexia; Fulminating hyperpyrexia; Pharmacogenic myopathy; RYR1-Related Malignant Hyperthermia Susceptibility; Malignant hyperthermia suceptibility 1. Identifiers: Orphanet 423, MedGen C2930980, MONDO:0007783, OMIM 145600.

Submission:

All of Us Research Program, National Institutes of Health
Classification: Uncertain significance for Malignant hyperthermia, susceptibility to, 1. Last evaluated: 2023-06-26. Review status: criteria provided, single submitter. Criteria: ACMG Guidelines, 2015. Collection method: clinical testing. Allele origin: germline. Inheritance: Autosomal dominant inheritance. Observed: 1 variant allele, 1 heterozygote.
Comment: This variant causes an A to C nucleotide substitution at the -2 position of intron 72 of the RYR1 gene. Splice site prediction tools suggest that this variant may have a significant impact on RNA splicing. Although this prediction has not been confirmed in published RNA studies, this variant is expected to result in an absent or disrupted protein product. This variant has not been reported in individuals affected with RYR1-related disorders in the literature. Loss of RYR1 function due to haploinsufficiency is not an established disease mechanism for autosomal dominant malignant hyperthermia susceptibility. This variant has not been identified in the general population by the Genome Aggregation Database (gnomAD). Due to insufficient evidence, this variant is classified as a Variant of Uncertain Significance for autosomal dominant malignant hyperthermia susceptibility.

This study involves interpretation of variants in research participants for the purpose of population health screening. Participant phenotype was not available at the time of variant classification. Additional details can be found in publication PMID: 35346344, PMCID: PMC8962531